The following is an entry in ClinVar:

ClinVar aggregate classification (germline): Uncertain significance (1 of 4 stars; one submission).

Submission:

Labcorp Genetics (formerly Invitae), Labcorp
Classification: Uncertain significance. Last evaluated: 2023-08-23. Review status: criteria provided, single submitter. Criteria: Invitae Variant Classification Sherloc (09022015). Collection method: clinical testing. Allele origin: germline.
Comment: This sequence change replaces threonine, which is neutral and polar, with isoleucine, which is neutral and non-polar, at codon 636 of the SBF1 protein (p.Thr636Ile). This variant is present in population databases (no rsID available, gnomAD 0.0009%). This variant has not been reported in the literature in individuals affected with SBF1-related conditions. Advanced modeling of protein sequence and biophysical properties (such as structural, functional, and spatial information, amino acid conservation, physicochemical variation, residue mobility, and thermodynamic stability) performed at Invitae indicates that this missense variant is expected to disrupt SBF1 protein function. In summary, the available evidence is currently insufficient to determine the role of this variant in disease. Therefore, it has been classified as a Variant of Uncertain Significance.

NM_002972.4(SBF1):c.1907C>T (p.Thr636Ile)

Gene: SBF1 (SET binding factor 1; minus strand). Cytogenetic location: 22q13.33.
Variant type: single nucleotide variant.
Coding change: c.1907C>T on transcript NM_002972.4 (MANE Select); coding-DNA position 1907, C replaced by T.
Protein change: p.Thr636Ile; replaces threonine 636 with isoleucine.
Molecular consequence: missense variant.
Genome position (GRCh38, 1-based): chr22:50,462,931, G>A on the plus strand (C>T on the coding strand, the complement: SBF1 is on the minus strand). VCF-style: chr22-50462931-G-A. GRCh37 (hg19) VCF-style: chr22-50901360-G-A.
Other names: c.1910C>T, p.Thr637Ile (NM_001365819.1, NM_001410794.1); c.1907C>T, p.Thr636Ile (NM_001410795.1, NM_197971.1); short protein forms T636I, T637I.
Identifiers: ClinVar variation 2747426 (VCV002747426.3), dbSNP rs1327921419, ClinGen allele CA412213692.